The following is an entry in ClinVar:

NM_000051.4(ATM):c.2922-5C>T

Gene: ATM (ATM serine/threonine kinase; plus strand). Cytogenetic location: 11q22.3.
Variant type: single nucleotide variant.
Coding change: c.2922-5C>T on transcript NM_000051.4 (MANE Select); 5 bases into the intron before coding-DNA position 2922, C replaced by T.
Molecular consequence: intron variant.
Genome position (GRCh38, 1-based): chr11:108,271,246, C>T. VCF-style: chr11-108271246-C-T. GRCh37 (hg19) VCF-style: chr11-108141973-C-T.
Other names: c.2922-5C>T (NM_001351834.2).
Identifiers: ClinVar variation 481133 (VCV000481133.17), dbSNP rs1452462211, ClinGen allele CA658656159.

ClinVar aggregate classification (germline): Conflicting classifications of pathogenicity. Review status: criteria provided, conflicting classifications (1 of 4 stars). 4 submissions from 4 submitters: Uncertain significance (2); Likely benign (2). Last evaluated 2025-10-27.

Conditions:
Hereditary cancer-predisposing syndrome. Also called: Hereditary neoplastic syndrome; Neoplastic Syndromes, Hereditary; Tumor predisposition; Hereditary Cancer Syndrome. Identifiers: Orphanet 140162, MedGen C0027672, MeSH D009386, MONDO:0015356.
Familial cancer of breast. Also called: BREAST CANCER, FAMILIAL; Hereditary breast cancer; hereditary breast carcinoma. Identifiers: Orphanet 227535, MedGen C0346153, MONDO:0016419, OMIM 114480. Disease mechanism: loss of function.
Ataxia-telangiectasia syndrome (AT). Also called: LOUIS-BAR SYNDROME; Cerebello-oculocutaneous telangiectasia; Immunodeficiency with ataxia telangiectasia; AT, COMPLEMENTATION GROUP C; Ataxia-telangiectasia, complementation group D; ATAXIA-TELANGIECTASIA, COMPLEMENTATION GROUP A. Identifiers: Orphanet 100, MedGen C0004135, MONDO:0008840, OMIM 208900.

Allele frequency attached by ClinVar (database versions not stated): gnomAD exomes below 0.00001.

Submissions (4):

Labcorp Genetics (formerly Invitae), Labcorp
Classification: Likely benign for Ataxia-telangiectasia syndrome. Last evaluated: 2025-10-27. Review status: criteria provided, single submitter. Criteria: Invitae Variant Classification Sherloc (09022015). Collection method: clinical testing. Allele origin: germline.

Myriad Genetics, Inc.
Classification: Likely benign for Familial cancer of breast. Last evaluated: 2024-05-10. Review status: criteria provided, single submitter. Criteria: Myriad Autosomal Dominant, Autosomal Recessive and X-Linked Classification Criteria (2023). Collection method: clinical testing. Allele origin: unknown.
Comment: This variant is considered likely benign. This variant is intronic and is not expected to impact mRNA splicing.

Ambry Genetics
Classification: Uncertain significance for Hereditary cancer-predisposing syndrome. Last evaluated: 2022-10-25. Review status: criteria provided, single submitter. Criteria: Ambry Variant Classification Scheme 2023. Collection method: clinical testing. Allele origin: germline.
Comment: The c.2922-5C>T intronic variant results from a C to T substitution 5 nucleotides upstream from coding exon 19 in the ATM gene. This nucleotide position is not well conserved in available vertebrate species. In silico splice site analysis predicts that this alteration will not have any significant effect on splicing; however, direct evidence is insufficient at this time (Ambry internal data). Since supporting evidence is limited at this time, the clinical significance of this alteration remains unclear.

Color Diagnostics, LLC DBA Color Health
Classification: Uncertain significance for Hereditary cancer-predisposing syndrome. Last evaluated: 2018-08-10. Review status: criteria provided, single submitter. Criteria: ACMG Guidelines, 2015. Collection method: clinical testing. Allele origin: germline.